The following is an entry in ClinVar:

ClinVar aggregate classification (germline): Benign/Likely benign. Review status: criteria provided, multiple submitters, no conflicts (2 of 4 stars). 2 submissions from 2 submitters: Benign (1); Likely benign (1). Last evaluated 2024-10-22.

Conditions:
Birt-Hogg-Dube syndrome 1 (BHD1). Also called: FIBROFOLLICULOMAS WITH TRICHODISCOMAS AND ACROCHORDONS. Identifiers: Orphanet 122, MedGen CN375946, MONDO:0800445, OMIM 135150.
Birt-Hogg-Dube syndrome. Also called: Birt Hogg Dubé syndrome. Identifiers: Orphanet 122, MedGen C0346010, MONDO:0800444.

Submissions (2):

Myriad Genetics, Inc.
Classification: Benign for Birt-Hogg-Dube syndrome 1. Last evaluated: 2024-10-22. Review status: criteria provided, single submitter. Criteria: Myriad Autosomal Dominant, Autosomal Recessive and X-Linked Classification Criteria (2023). Collection method: clinical testing. Allele origin: unknown.
Comment: This variant is considered benign. This variant is a silent/synonymous amino acid change and it is not expected to impact splicing.

Labcorp Genetics (formerly Invitae), Labcorp
Classification: Likely benign for Birt-Hogg-Dube syndrome. Last evaluated: 2023-12-01. Review status: criteria provided, single submitter. Criteria: Invitae Variant Classification Sherloc (09022015). Collection method: clinical testing. Allele origin: germline.

NM_144997.7(FLCN):c.117T>A (p.Pro39=)

Gene: FLCN (folliculin; minus strand). Cytogenetic location: 17p11.2.
Variant type: single nucleotide variant.
Coding change: c.117T>A on transcript NM_144997.7 (MANE Select); coding-DNA position 117, T replaced by A.
Protein change: p.Pro39=; no amino-acid change (proline 39 retained).
Molecular consequence: synonymous variant.
Genome position (GRCh38, 1-based): chr17:17,228,021, A>T on the plus strand (T>A on the coding strand, the complement: FLCN is on the minus strand). VCF-style: chr17-17228021-A-T. GRCh37 (hg19) VCF-style: chr17-17131335-A-T.
Other names: c.117T>A, p.Pro39= (NM_001353229.2, NM_001353230.2, NM_001353231.2 and 1 more transcripts).
Identifiers: ClinVar variation 2700039 (VCV002700039.4), dbSNP rs2145046527, ClinGen allele CA498421596.
Genomic context (GRCh38, chr17:17,228,021, plus strand): 5'-ACGCATCCGACTGTTCATCTGAATGCCACCTTCCTCTTCTTCCGCCTGCTCACCCTGGCC[A>T]GGACTGTCCTCATTCCCATCCCCTTGAGGAAGTGGGGCGTGCAGCACCTCCGTGCAGAAG-3'
Protein context (NP_659434.2, residues 29-49): LPQGDGNEDS[Pro39=]GQGEQAEEEE